The following is an entry in ClinVar:

NM_003072.5(SMARCA4):c.2510C>G (p.Ser837Cys)

Gene: SMARCA4 (SWI/SNF related BAF chromatin remodeling complex subunit ATPase 4; plus strand). Cytogenetic location: 19p13.2.
Variant type: single nucleotide variant.
Coding change: c.2510C>G on transcript NM_003072.5 (MANE Select); coding-DNA position 2510, C replaced by G.
Protein change: p.Ser837Cys; replaces serine 837 with cysteine.
Molecular consequence: missense variant. On other transcripts: non-coding transcript variant (1).
Genome position (GRCh38, 1-based): chr19:11,019,595, C>G. VCF-style: chr19-11019595-C-G. GRCh37 (hg19) VCF-style: chr19-11130271-C-G.
Other names: c.2510C>G, p.Ser837Cys (NM_001128844.3, NM_001128845.2, NM_001128846.2 and 5 more transcripts); short protein forms S837C.
Identifiers: ClinVar variation 1345556 (VCV001345556.6), dbSNP rs2146372900, ClinGen allele CA404054170.

ClinVar aggregate classification (germline): Uncertain significance (1 of 4 stars; one submission).

Conditions:
Rhabdoid tumor predisposition syndrome 2 (RTPS2). Identifiers: Orphanet 231108, Orphanet 69077, MedGen C2750074, MONDO:0013224, OMIM 613325.

Submission:

Labcorp Genetics (formerly Invitae), Labcorp
Classification: Uncertain significance for Rhabdoid tumor predisposition syndrome 2. Last evaluated: 2021-11-19. Review status: criteria provided, single submitter. Criteria: Invitae Variant Classification Sherloc (09022015). Collection method: clinical testing. Allele origin: germline.
Comment: This sequence change replaces serine, which is neutral and polar, with cysteine, which is neutral and slightly polar, at codon 837 of the SMARCA4 protein (p.Ser837Cys). This variant is not present in population databases (gnomAD no frequency). This variant has not been reported in the literature in individuals affected with SMARCA4-related conditions. Algorithms developed to predict the effect of missense changes on protein structure and function (SIFT, PolyPhen-2, Align-GVGD) all suggest that this variant is likely to be disruptive. In summary, the available evidence is currently insufficient to determine the role of this variant in disease. Therefore, it has been classified as a Variant of Uncertain Significance.